The following is an entry in ClinVar:

ClinVar aggregate classification (germline): Uncertain significance (1 of 4 stars; one submission).

Conditions:
Cardiovascular phenotype. Identifiers: MedGen CN230736.

Allele frequency attached by ClinVar (database versions not stated): gnomAD exomes below 0.00001.

Submission:

Ambry Genetics
Classification: Uncertain significance for Cardiovascular phenotype. Last evaluated: 2023-09-18. Review status: criteria provided, single submitter. Criteria: Ambry Variant Classification Scheme 2023. Collection method: clinical testing. Allele origin: germline.
Comment: The p.M130V variant (also known as c.388A>G), located in coding exon 2 of the CYP27A1 gene, results from an A to G substitution at nucleotide position 388. The methionine at codon 130 is replaced by valine, an amino acid with highly similar properties. This amino acid position is conserved. In addition, this alteration is predicted to be deleterious by in silico analysis. Since supporting evidence is limited at this time, the clinical significance of this alteration remains unclear.

NM_000784.4(CYP27A1):c.388A>G (p.Met130Val)

Gene: CYP27A1 (cytochrome P450 family 27 subfamily A member 1; plus strand). Cytogenetic location: 2q35.
Variant type: single nucleotide variant.
Coding change: c.388A>G on transcript NM_000784.4 (MANE Select); coding-DNA position 388, A replaced by G.
Protein change: p.Met130Val; replaces methionine 130 with valine.
Molecular consequence: missense variant.
Genome position (GRCh38, 1-based): chr2:218,809,709, A>G. VCF-style: chr2-218809709-A-G. GRCh37 (hg19) VCF-style: chr2-219674432-A-G.
Other names: short protein forms M130V.
Identifiers: ClinVar variation 3232289 (VCV003232289.1), dbSNP rs1409883202, ClinGen allele CA350583507.